The following is an entry in ClinVar:

NM_000368.5(TSC1):c.2329A>T (p.Ser777Cys)

Gene: TSC1 (TSC complex subunit 1; minus strand). Cytogenetic location: 9q34.13.
Variant type: single nucleotide variant.
Coding change: c.2329A>T on transcript NM_000368.5 (MANE Select); coding-DNA position 2329, A replaced by T.
Protein change: p.Ser777Cys; replaces serine 777 with cysteine.
Molecular consequence: missense variant. On other transcripts: non-coding transcript variant (5).
Genome position (GRCh38, 1-based): chr9:132,902,667, T>A on the plus strand (A>T on the coding strand, the complement: TSC1 is on the minus strand). VCF-style: chr9-132902667-T-A. GRCh37 (hg19) VCF-style: chr9-135778054-T-A.
Other names: c.2326A>T, p.Ser776Cys (NM_001162426.2, NM_001406597.1, NM_001406598.1 and 4 more transcripts); c.2176A>T, p.Ser726Cys (NM_001162427.2, NM_001406610.1); c.1966A>T, p.Ser656Cys (NM_001362177.2, NM_001406614.1, NM_001406615.1 and 5 more transcripts); c.2329A>T, p.Ser777Cys (NM_001406592.1, NM_001406593.1, NM_001406594.1 and 5 more transcripts); c.2314A>T, p.Ser772Cys (NM_001406601.1, NM_001406602.1); c.2311A>T, p.Ser771Cys (NM_001406603.1, NM_001406604.1); c.2173A>T, p.Ser725Cys (NM_001406611.1, NM_001406612.1, NM_001406613.1); c.1963A>T, p.Ser655Cys (NM_001406620.1, NM_001406621.1, NM_001406622.1 and 2 more transcripts); and 3 more; short protein forms S426C, S459C, S655C, S777C, S460C, S725C, S726C, S771C.
Identifiers: ClinVar variation 4554051 (VCV004554051.1).

ClinVar aggregate classification (germline): Uncertain significance (1 of 4 stars; one submission).

Conditions:
Hereditary cancer-predisposing syndrome. Also called: Tumor predisposition; Hereditary Cancer Syndrome; Hereditary neoplastic syndrome; Neoplastic Syndromes, Hereditary. Identifiers: Orphanet 140162, MedGen C0027672, MeSH D009386, MONDO:0015356.

Submission:

Ambry Genetics
Classification: Uncertain significance for Hereditary cancer-predisposing syndrome. Last evaluated: 2025-09-21. Review status: criteria provided, single submitter. Criteria: Ambry Variant Classification Scheme 2023. Collection method: clinical testing. Allele origin: germline.
Comment: The p.S777C variant (also known as c.2329A>T), located in coding exon 16 of the TSC1 gene, results from an A to T substitution at nucleotide position 2329. The serine at codon 777 is replaced by cysteine, an amino acid with dissimilar properties. This amino acid position is conserved. In addition, the in silico prediction for this alteration is inconclusive. Based on the available evidence, the clinical significance of this variant remains unclear.